The following is an entry in ClinVar:

NM_016592.5(GNAS):c.240C>G (p.Pro80=)

Genes: GNAS (GNAS complex locus; plus strand), GNAS-AS1 (GNAS antisense RNA 1; minus strand). Cytogenetic location: 20q13.32.
Variant type: single nucleotide variant.
Coding change: c.240C>G on transcript NM_016592.5 (MANE Plus Clinical); coding-DNA position 240, C replaced by G.
Protein change: p.Pro80=; no amino-acid change (proline 80 retained).
Molecular consequence: synonymous variant. On other transcripts: 5 prime UTR variant (1), genic upstream transcript variant (1).
Genome position (GRCh38, 1-based): chr20:58,840,346, C>G. VCF-style: chr20-58840346-C-G. GRCh37 (hg19) VCF-style: chr20-57415401-C-G.
Other names: c.-498C>G (NM_001410912.1); c.-51381C>G (NM_000516.7).
Identifiers: ClinVar variation 3768871 (VCV003768871.1).

ClinVar aggregate classification (germline): Uncertain significance (1 of 4 stars; one submission).

gnomAD v4.1: 2 of 1,613,208 alleles (0.00012%); highest among the groups gnomAD compares: Non-Finnish European, 0.00017%; no homozygotes.

Submission:

Women's Health and Genetics/Laboratory Corporation of America, LabCorp
Classification: Uncertain significance. Last evaluated: 2025-02-24. Review status: criteria provided, single submitter. Criteria: LabCorp Variant Classification Summary - May 2015. Collection method: clinical testing. Allele origin: germline.
Comment: Variant summary: GNAS c.-51381C>G is located in the untranscribed region upstream of the GNAS gene region. The variant was absent in 249038 control chromosomes. The available data on variant occurrences in the general population are insufficient to allow any conclusion about variant significance. To our knowledge, no occurrence of c.-51381C>G in individuals affected with GNAS-Related Disorders and no experimental evidence demonstrating its impact on protein function have been reported. No submitters have cited clinical-significance assessments for this variant to ClinVar. Based on the evidence outlined above, the variant was classified as uncertain significance.